The following is an entry in ClinVar:

ClinVar aggregate classification (germline): Likely benign (1 of 4 stars; one submission).

gnomAD v4.1: 9 of 985,204 alleles (0.00091%); highest among the groups gnomAD compares: Non-Finnish European, 0.0011%; no homozygotes.

Submission:

CeGaT Center for Human Genetics Tuebingen
Classification: Likely benign. Last evaluated: 2025-05-01. Review status: criteria provided, single submitter. Criteria: CeGaT Center For Human Genetics Tuebingen Variant Classification Criteria Version 2. Collection method: clinical testing. Allele origin: germline. Affected: yes. Observed: 1 variant allele.
Comment: MCPH1: BP4, BP7

NM_024596.5(MCPH1):c.2452+4324G>C

Genes: MCPH1 (microcephalin 1; plus strand), MCPH1-AS1 (MCPH1 antisense RNA 1; minus strand). Cytogenetic location: 8p23.1.
Variant type: single nucleotide variant.
Coding change: c.2452+4324G>C on transcript NM_024596.5 (MANE Select); 4324 bases into the intron after coding-DNA position 2452, G replaced by C.
Molecular consequence: intron variant. On other transcripts: synonymous variant (1).
Genome position (GRCh38, 1-based): chr8:6,626,015, G>C. VCF-style: chr8-6626015-G-C. GRCh37 (hg19) VCF-style: chr8-6483536-G-C.
Other names: c.2511G>C, p.Leu837= (NM_001410917.1); c.2594+978G>C (NM_001322042.2); c.2173+4324G>C (NM_001363980.2); c.2452+4324G>C (NM_001363979.1).
Identifiers: ClinVar variation 3905496 (VCV003905496.10).